The following is an entry in ClinVar:

ClinVar aggregate classification (germline): Uncertain significance (1 of 4 stars; one submission).

Submission:

Labcorp Genetics (formerly Invitae), Labcorp
Classification: Uncertain significance. Last evaluated: 2024-11-03. Review status: criteria provided, single submitter. Criteria: Invitae Variant Classification Sherloc (09022015). Collection method: clinical testing. Allele origin: germline.
Comment: This sequence change replaces threonine, which is neutral and polar, with isoleucine, which is neutral and non-polar, at codon 1917 of the ARID1A protein (p.Thr1917Ile). This variant is not present in population databases (gnomAD no frequency). This variant has not been reported in the literature in individuals affected with ARID1A-related conditions. Invitae Evidence Modeling of protein sequence and biophysical properties (such as structural, functional, and spatial information, amino acid conservation, physicochemical variation, residue mobility, and thermodynamic stability) indicates that this missense variant is not expected to disrupt ARID1A protein function with a negative predictive value of 80%. In summary, the available evidence is currently insufficient to determine the role of this variant in disease. Therefore, it has been classified as a Variant of Uncertain Significance.

NM_006015.6(ARID1A):c.5750C>T (p.Thr1917Ile)

Gene: ARID1A (AT-rich interaction domain 1A; plus strand). Cytogenetic location: 1p36.11.
Variant type: single nucleotide variant.
Coding change: c.5750C>T on transcript NM_006015.6 (MANE Select); coding-DNA position 5750, C replaced by T.
Protein change: p.Thr1917Ile; replaces threonine 1917 with isoleucine.
Molecular consequence: missense variant.
Genome position (GRCh38, 1-based): chr1:26,779,648, C>T. VCF-style: chr1-26779648-C-T. GRCh37 (hg19) VCF-style: chr1-27106139-C-T.
Other names: c.5099C>T, p.Thr1700Ile (NM_139135.4); short protein forms T1700I, T1917I.
Identifiers: ClinVar variation 3611933 (VCV003611933.2).
Genomic context (GRCh38, chr1:26,779,648, plus strand): 5'-CCCCACCTGATGGACCTCCAGAAAAACGGATCACAGCCACTATGGATGACATGTTGTCTA[C>T]TCGGTCTAGCACCTTGACCGAGGATGGAGCTAAGAGTTCAGAGGCCATCAAGGAGAGCAG-3'
Protein context (NP_006006.3, residues 1907-1927): ITATMDDMLS[Thr1917Ile]RSSTLTEDGA